The following is an entry in ClinVar:

ClinVar aggregate classification (germline): Uncertain significance. Review status: criteria provided, multiple submitters, no conflicts (2 of 4 stars). 6 submissions from 6 submitters: Uncertain significance (6). Last evaluated 2025-12-21.

Conditions:
Lynch syndrome. Identifiers: Orphanet 144, MedGen C4552100, MONDO:0005835. Disease mechanism: loss of function.
Endometrial carcinoma. Also called: Endometrial carcinoma, somatic. Identifiers: MedGen C0476089, MONDO:0002447, OMIM 608089, HP:0012114.
Hereditary nonpolyposis colorectal neoplasms. Identifiers: MedGen C0009405, MeSH D003123.
Hereditary cancer-predisposing syndrome. Also called: Tumor predisposition; Hereditary Cancer Syndrome; Hereditary neoplastic syndrome; Neoplastic Syndromes, Hereditary. Identifiers: Orphanet 140162, MedGen C0027672, MeSH D009386, MONDO:0015356.

Submissions (6):

Labcorp Genetics (formerly Invitae), Labcorp
Classification: Uncertain significance for Hereditary nonpolyposis colorectal neoplasms. Last evaluated: 2025-12-21. Review status: criteria provided, single submitter. Criteria: Invitae Variant Classification Sherloc (09022015). Collection method: clinical testing. Allele origin: germline.
Comment: This variant, c.3850_3851insGGA, results in the insertion of 1 amino acid(s) of the MSH6 protein (p.Ile1283_Thr1284insArg), but otherwise preserves the integrity of the reading frame. This variant is present in population databases (no rsID available, gnomAD no frequency). This variant has not been reported in the literature in individuals affected with MSH6-related conditions. ClinVar contains an entry for this variant (Variation ID: 410533). Experimental studies and prediction algorithms are not available or were not evaluated, and the functional significance of this variant is currently unknown. In summary, the available evidence is currently insufficient to determine the role of this variant in disease. Therefore, it has been classified as a Variant of Uncertain Significance.

Color Diagnostics, LLC DBA Color Health
Classification: Uncertain significance for Hereditary cancer-predisposing syndrome. Last evaluated: 2025-04-28. Review status: criteria provided, single submitter. Criteria: ACMG Guidelines, 2015. Collection method: clinical testing. Allele origin: germline.
Comment: This variant causes an in-frame insertion of a novel arginine residue between codons 1283 and 1284 in the MSH6 protein. To our knowledge, functional studies have not been reported for this variant. This variant has not been reported in individuals affected with MSH6-related disorders in the literature. This variant has been identified in 1/250822 chromosomes in the general population by the Genome Aggregation Database (gnomAD). The available evidence is insufficient to determine the role of this variant in disease conclusively. Therefore, this variant is classified as a Variant of Uncertain Significance.

Ambry Genetics
Classification: Uncertain significance for Hereditary cancer-predisposing syndrome. Last evaluated: 2025-01-11. Review status: criteria provided, single submitter. Criteria: Ambry Variant Classification Scheme 2023. Collection method: clinical testing. Allele origin: germline.
Comment: The c.3850_3851insGGA variant (also known as p.I1283_T1284insR), located in coding exon 9 of the MSH6 gene, results from an in-frame GGA insertion at nucleotide positions 3850 to 3851. This results in the insertion of an extra arginine residue between codons 1283 and 1284. The amino acid positions in this region are highly conserved in available vertebrate species. In addition, this alteration is predicted to be deleterious by in silico analysis (Choi Y et al. PLoS ONE. 2012; 7(10):e46688). Since supporting evidence is limited at this time, the clinical significance of this alteration remains unclear.

All of Us Research Program, National Institutes of Health
Classification: Uncertain significance for Lynch syndrome. Last evaluated: 2024-09-11. Review status: criteria provided, single submitter. Criteria: ACMG Guidelines, 2015. Collection method: clinical testing. Allele origin: germline. Inheritance: Autosomal dominant inheritance. Observed: 2 variant alleles, 2 heterozygotes.
Comment: This variant causes an insertion of 1 amino acid in the MSH6 protein. To our knowledge, functional studies have not been performed for this variant. This variant has not been reported in individuals affected with hereditary cancer in the literature. This variant has been identified in 1/250822 chromosomes in the general population by the Genome Aggregation Database (gnomAD). The available evidence is insufficient to determine the role of this variant in disease conclusively. Therefore, this variant is classified as a Variant of Uncertain Significance.

This study involves interpretation of variants in research participants for the purpose of population health screening. Participant phenotype was not available at the time of variant classification. Additional details can be found in publication PMID: 35346344, PMCID: PMC8962531

Baylor Genetics
Classification: Uncertain significance for Endometrial carcinoma. Last evaluated: 2023-10-10. Review status: criteria provided, single submitter. Criteria: ACMG Guidelines, 2015. Collection method: clinical testing. Allele origin: unknown.

Women's Health and Genetics/Laboratory Corporation of America, LabCorp
Classification: Uncertain significance. Last evaluated: 2023-06-12. Review status: criteria provided, single submitter. Criteria: LabCorp Variant Classification Summary - May 2015. Collection method: clinical testing. Allele origin: germline.
Comment: Variant summary: MSH6 c.3850_3851insGGA (p.Ile1283_Thr1284insArg) results in an in-frame insertion that is predicted to insert one amino acid into the C-terminal domain (IPR000432) of the encoded protein. The variant allele was found at a frequency of 4e-06 in 250822 control chromosomes (gnomAD). The available data on variant occurrences in the general population are insufficient to allow any conclusion about variant significance. To our knowledge, no occurrence of c.3850_3851insGGA in individuals affected with Lynch Syndrome or MSH6-associated cancers and no experimental evidence demonstrating its impact on protein function have been reported. Three clinical diagnostic laboratories have submitted clinical-significance assessments for this variant to ClinVar after 2014 and all classified the variant as uncertain significance. Based on the evidence outlined above, the variant was classified as uncertain significance.

NM_000179.3(MSH6):c.3850_3851insGGA (p.Ile1283_Thr1284insArg)

Gene: MSH6 (mutS homolog 6; plus strand). Cytogenetic location: 2p16.3.
Variant type: Insertion.
Coding change: c.3850_3851insGGA on transcript NM_000179.3 (MANE Select); coding-DNA positions 3850 to 3851, GGA inserted.
Protein change: p.Ile1283_Thr1284insArg.
Molecular consequence: inframe insertion.
Genome position: GRCh38 VCF-style: chr2-47806499-T-TAGG. GRCh37 (hg19) VCF-style: chr2-48033638-T-TAGG.
Other names: c.3460_3461insGGA, p.Ile1153_Thr1154insArg (NM_001281492.2); c.2944_2945insGGA, p.Ile981_Thr982insArg (NM_001281493.2, NM_001281494.2).
Identifiers: ClinVar variation 410533 (VCV000410533.25), dbSNP rs1553333421, ClinGen allele CA16610984.